The following is an entry in ClinVar:

ClinVar aggregate classification (germline): Uncertain significance (1 of 4 stars; one submission).

Allele frequency attached by ClinVar (database versions not stated): TOPMed below 0.00001.

Submission:

GeneDx
Classification: Uncertain significance. Last evaluated: 2023-05-05. Review status: criteria provided, single submitter. Criteria: GeneDx Variant Classification Process June 2021. Collection method: clinical testing. Allele origin: germline. Affected: yes.
Comment: Not observed at significant frequency in large population cohorts (gnomAD); In silico analysis supports that this missense variant has a deleterious effect on protein structure/function; Has not been previously published as pathogenic or benign to our knowledge

NM_001170629.2(CHD8):c.208C>T (p.Pro70Ser)

Gene: CHD8 (chromodomain helicase DNA binding protein 8; minus strand). Cytogenetic location: 14q11.2.
Variant type: single nucleotide variant.
Coding change: c.208C>T on transcript NM_001170629.2 (MANE Select); coding-DNA position 208, C replaced by T.
Protein change: p.Pro70Ser; replaces proline 70 with serine.
Molecular consequence: missense variant. On other transcripts: intron variant (1).
Genome position (GRCh38, 1-based): chr14:21,431,436, G>A on the plus strand (C>T on the coding strand, the complement: CHD8 is on the minus strand). VCF-style: chr14-21431436-G-A. GRCh37 (hg19) VCF-style: chr14-21899595-G-A.
Other names: c.6+375C>T (NM_020920.4); short protein forms P70S.
Identifiers: ClinVar variation 2662064 (VCV002662064.1), dbSNP rs1444877612, ClinGen allele CA388890321.
Genomic context (GRCh38, chr14:21,431,436, plus strand): 5'-TGGATTCTGGAGCTGGAGCTGTGGATTCTTTGGAAAGTTCTGTGGGAGCTGTTTCCTCTG[G>A]TGGAGGGACCAGTTCACTTGCTGATGAATTCCCCACATCACCACCTCCACCATCCTGGTT-3'
Protein context (NP_001164100.1, residues 60-80): NSSASELVPP[Pro70Ser]EETAPTELSK